The following is an entry in ClinVar:

ClinVar aggregate classification (germline): Pathogenic (1 of 4 stars; one submission).

Conditions:
Biotinidase deficiency. Also called: BTD deficiency; Late-onset biotin-responsive multiple carboxylase deficiency; Biotin deficiency. Identifiers: Orphanet 79241, MedGen C0220754, MONDO:0009665, OMIM 253260.

Submission:

Natera, Inc.
Classification: Pathogenic for Biotinidase deficiency. Last evaluated: 2025-10-10. Review status: criteria provided, single submitter. Criteria: Natera Variant Classification Schema (03/2026). Collection method: clinical testing. Allele origin: germline.
Comment: The c.485C>T variant in BTD is a missense variant predicted to cause substitution of alanine to valine at amino acid 162. This variant is rare in the general population with a frequency below the threshold expected for the associated phenotype(s). This variant has been observed in one or more individuals affected with the associated recessive disease, as either homozygous or compound heterozygous with a second variant (PMID: 35195902). Additionally, this variant has been observed to segregate in affected family members (PMID: 35195902). Computational prediction algorithms indicate this variant is likely to affect gene or protein function. Given the available evidence, this variant is classified as Pathogenic.

Literature cited by the submitters: PubMed 35195902.

NM_000060.4:c.485C>T

Variant type: single nucleotide variant.
Other names: c.485C>T (NM_000060.4).
Identifiers: ClinVar variation 4816019 (VCV004816019.1).